The following is an entry in ClinVar:

NM_015340.4(LARS2):c.2215-224C>T

Gene: LARS2 (leucyl-tRNA synthetase 2, mitochondrial; plus strand). Cytogenetic location: 3p21.31.
Variant type: single nucleotide variant.
Coding change: c.2215-224C>T on transcript NM_015340.4 (MANE Select); 224 bases into the intron before coding-DNA position 2215, C replaced by T.
Molecular consequence: intron variant.
Genome position (GRCh38, 1-based): chr3:45,519,995, C>T. VCF-style: chr3-45519995-C-T. GRCh37 (hg19) VCF-style: chr3-45561487-C-T.
Other names: c.2215-224C>T (NM_001368263.1).
Identifiers: ClinVar variation 684181 (VCV000684181.1), dbSNP rs267224, ClinGen allele CA15261907.

ClinVar aggregate classification (germline): Benign (1 of 4 stars; one submission).

Allele frequency attached by ClinVar (database versions not stated): TOPMed 0.48815; 1000 Genomes Project 30x 0.49656; 1000 Genomes Project 0.50419; gnomAD 0.50647 and 0.51316.
gnomAD v4.1: 78,226 of 151,980 alleles (51%); highest among the groups gnomAD compares: East Asian, 78%; 24,034 homozygotes.

Submission:

GeneDx
Classification: Benign. Last evaluated: 2018-06-14. Review status: criteria provided, single submitter. Criteria: GeneDx Variant Classification (06012015). Collection method: clinical testing. Allele origin: germline. Affected: yes.
Comment: This variant is considered likely benign or benign based on one or more of the following criteria: it is a conservative change, it occurs at a poorly conserved position in the protein, it is predicted to be benign by multiple in silico algorithms, and/or has population frequency not consistent with disease.